The following is an entry in ClinVar:

ClinVar aggregate classification (germline): Uncertain significance (1 of 4 stars; one submission).

Conditions:
Coffin-Siris syndrome 6. Identifiers: MedGen C4540499, MONDO:0033492, OMIM 617808.

gnomAD v4.1: 1 of 1,610,028 alleles (0.000062%); no homozygotes.

Submission:

Baylor Genetics
Classification: Uncertain significance for Coffin-Siris syndrome 6. Last evaluated: 2019-07-12. Review status: criteria provided, single submitter. Criteria: ACMG Guidelines, 2015. Collection method: clinical testing. Allele origin: unknown. Affected: yes.
Comment: This variant was determined to be of uncertain significance according to ACMG Guidelines, 2015 [PMID:25741868].

NM_152641.4(ARID2):c.7A>C (p.Asn3His)

Gene: ARID2 (AT-rich interaction domain 2; plus strand). Cytogenetic location: 12q12.
Variant type: single nucleotide variant.
Coding change: c.7A>C on transcript NM_152641.4 (MANE Select); coding-DNA position 7, A replaced by C.
Protein change: p.Asn3His; replaces asparagine 3 with histidine.
Molecular consequence: missense variant.
Genome position (GRCh38, 1-based): chr12:45,729,843, A>C. VCF-style: chr12-45729843-A-C. GRCh37 (hg19) VCF-style: chr12-46123626-A-C.
Other names: c.7A>C, p.Asn3His (NM_001347839.2); short protein forms N3H.
Identifiers: ClinVar variation 1031207 (VCV001031207.1), dbSNP rs868029449, ClinGen allele CA236966917.